The following is an entry in ClinVar:

NM_006231.4(POLE):c.16G>A (p.Gly6Ser)

Genes: POLE (DNA polymerase epsilon, catalytic subunit; minus strand), LOC130009266 (ATAC-STARR-seq lymphoblastoid silent region 5123; plus strand). Cytogenetic location: 12q24.33.
Variant type: single nucleotide variant.
Coding change: c.16G>A on transcript NM_006231.4 (MANE Select); coding-DNA position 16, G replaced by A.
Protein change: p.Gly6Ser; replaces glycine 6 with serine.
Molecular consequence: missense variant.
Genome position (GRCh38, 1-based): chr12:132,687,300, C>T on the plus strand (G>A on the coding strand, the complement: POLE is on the minus strand). VCF-style: chr12-132687300-C-T. GRCh37 (hg19) VCF-style: chr12-133263886-C-T.
Other names: short protein forms G6S.
Identifiers: ClinVar variation 952756 (VCV000952756.11), dbSNP rs202220778, ClinGen allele CA387373509.
Genomic context (GRCh38, chr12:132,687,300, plus strand): 5'-AGGGCGCCCCTCACCTGCTGGCCTCGCCATCCGCGCCTGGGTCCGCGCGCCGCCGCCCGC[C>T]GCTCCTCAGAGACATGGAGCCGTTGGCTACCACCTCTGCTTCAGGGGAGAAATTTGGCGC-3'
Protein context (NP_006222.2, residues 1-16): MSLRS[Gly6Ser]GRRRADPGAD

ClinVar aggregate classification (germline): Conflicting classifications of pathogenicity. Review status: criteria provided, conflicting classifications (1 of 4 stars). 3 submissions from 3 submitters: Uncertain significance (2); Likely benign (1). Last evaluated 2025-12-21.

Conditions:
Hereditary cancer-predisposing syndrome. Also called: Hereditary neoplastic syndrome; Neoplastic Syndromes, Hereditary; Hereditary Cancer Syndrome; Tumor predisposition. Identifiers: Orphanet 140162, MedGen C0027672, MeSH D009386, MONDO:0015356.

Allele frequency attached by ClinVar (database versions not stated): TOPMed 0.00002.
gnomAD v4.1: 2 of 1,505,802 alleles (0.00013%); highest among the groups gnomAD compares: Non-Finnish European, 0.00018%; no homozygotes.

Submissions (3):

Labcorp Genetics (formerly Invitae), Labcorp
Classification: Uncertain significance. Last evaluated: 2025-12-21. Review status: criteria provided, single submitter. Criteria: Invitae Variant Classification Sherloc (09022015). Collection method: clinical testing. Allele origin: germline.
Comment: This sequence change replaces glycine, which is neutral and non-polar, with serine, which is neutral and polar, at codon 6 of the POLE protein (p.Gly6Ser). The frequency data for this variant in the population databases is considered unreliable, as metrics indicate poor data quality at this position in the gnomAD database. This variant has not been reported in the literature in individuals affected with POLE-related conditions. ClinVar contains an entry for this variant (Variation ID: 952756). An algorithm developed to predict the effect of missense changes on protein structure and function outputs the following: PolyPhen-2: "Not Available". The serine amino acid residue is found in multiple mammalian species, which suggests that this missense change does not adversely affect protein function. In summary, the available evidence is currently insufficient to determine the role of this variant in disease. Therefore, it has been classified as a Variant of Uncertain Significance.

Ambry Genetics
Classification: Likely benign for Hereditary cancer-predisposing syndrome. Last evaluated: 2024-12-19. Review status: criteria provided, single submitter. Criteria: Ambry Variant Classification Scheme 2023. Collection method: clinical testing. Allele origin: germline.

GeneDx
Classification: Uncertain significance. Last evaluated: 2024-01-22. Review status: criteria provided, single submitter. Criteria: GeneDx Variant Classification Process June 2021. Collection method: clinical testing. Allele origin: germline.
Comment: Not observed at significant frequency in large population cohorts (gnomAD); In silico analysis supports that this missense variant does not alter protein structure/function; Has not been previously published as pathogenic or benign to our knowledge